The following is an entry in ClinVar:

ClinVar aggregate classification (germline): Uncertain significance (1 of 4 stars; one submission).

Conditions:
Arrhythmogenic right ventricular dysplasia 8 (ARVD8). Also called: Arrhythmogenic Right Ventricular Dysplasia/Cardiomyopathy 8; ARRHYTHMOGENIC RIGHT VENTRICULAR DYSPLASIA, FAMILIAL, 8; ARRHYTHMOGENIC RIGHT VENTRICULAR CARDIOMYOPATHY 8. Identifiers: MedGen C1843896, MONDO:0011831, OMIM 607450.
Arrhythmogenic cardiomyopathy with wooly hair and keratoderma. Also called: PALMOPLANTAR KERATODERMA WITH LEFT VENTRICULAR CARDIOMYOPATHY AND WOOLLY HAIR; Arrhythmogenic cardiomyopathy with woolly hair and keratoderma; Carvajal syndrome; Dilated cardiomyopathy with woolly hair and keratoderma. Identifiers: Orphanet 65282, MedGen C1854063, MONDO:0011581, OMIM 605676.

Submission:

Labcorp Genetics (formerly Invitae), Labcorp
Classification: Uncertain significance for Arrhythmogenic cardiomyopathy with wooly hair and keratoderma; Arrhythmogenic right ventricular dysplasia 8. Last evaluated: 2025-04-10. Review status: criteria provided, single submitter. Criteria: Invitae Variant Classification Sherloc (09022015). Collection method: clinical testing. Allele origin: germline.
Comment: This sequence change replaces glycine, which is neutral and non-polar, with glutamic acid, which is acidic and polar, at codon 990 of the DSP protein (p.Gly990Glu). This variant is not present in population databases (gnomAD no frequency). This variant has not been reported in the literature in individuals affected with DSP-related conditions. An algorithm developed to predict the effect of missense changes on protein structure and function (PolyPhen-2) suggests that this variant is likely to be disruptive. In summary, the available evidence is currently insufficient to determine the role of this variant in disease. Therefore, it has been classified as a Variant of Uncertain Significance.

NM_004415.4(DSP):c.2969G>A (p.Gly990Glu)

Gene: DSP (desmoplakin; plus strand). Cytogenetic location: 6p24.3.
Variant type: single nucleotide variant.
Coding change: c.2969G>A on transcript NM_004415.4 (MANE Select); coding-DNA position 2969, G replaced by A.
Protein change: p.Gly990Glu; replaces glycine 990 with glutamic acid.
Molecular consequence: missense variant.
Genome position (GRCh38, 1-based): chr6:7,577,870, G>A. VCF-style: chr6-7577870-G-A. GRCh37 (hg19) VCF-style: chr6-7578103-G-A.
Other names: c.2969G>A, p.Gly990Glu (NM_001008844.3, NM_001319034.2); short protein forms G990E.
Identifiers: ClinVar variation 4784669 (VCV004784669.1).
Genomic context (GRCh38, chr6:7,577,870, plus strand): 5'-CAGGACTGGAAACTCTGCTGAACATACCTATCAAGAGGACCATGATTCAGTCCCCTTCTG[G>A]GGTGATTCTGCAAGAGGTATATATGTCATCACATATCTCTTAAAACCTGCCCCTCCTTCT-3'
Protein context (NP_004406.2, residues 980-1000): IKRTMIQSPS[Gly990Glu]VILQEAADVH